The following is an entry in ClinVar:

NM_133497.4(KCNV2):c.326A>G (p.Gln109Arg)

Gene: KCNV2 (potassium voltage-gated channel modifier subfamily V member 2; plus strand). Cytogenetic location: 9p24.2.
Variant type: single nucleotide variant.
Coding change: c.326A>G on transcript NM_133497.4 (MANE Select); coding-DNA position 326, A replaced by G.
Protein change: p.Gln109Arg; replaces glutamine 109 with arginine.
Molecular consequence: missense variant.
Genome position (GRCh38, 1-based): chr9:2,718,065, A>G. VCF-style: chr9-2718065-A-G. GRCh37 (hg19) VCF-style: chr9-2718065-A-G.
Other names: c.326A>G (NM_133497.3); short protein forms Q109R.
Identifiers: ClinVar variation 1916275 (VCV001916275.6), dbSNP rs140189519, ClinGen allele CA4965409.

ClinVar aggregate classification (germline): Conflicting classifications of pathogenicity. Review status: criteria provided, conflicting classifications (1 of 4 stars). 3 submissions from 3 submitters: Uncertain significance (2); Likely benign (1). Last evaluated 2025-12-15.

Conditions:
Inborn genetic diseases. Identifiers: MedGen C0950123, MeSH D030342.
Cone dystrophy with supernormal rod response (CDSRR). Also called: CONE DYSTROPHY WITH SUPERNORMAL ROD RESPONSES. Identifiers: Orphanet 209932, MedGen C1835897, MONDO:0012475, OMIM 610356.

Allele frequency attached by ClinVar (database versions not stated): gnomAD exomes 0.00003; gnomAD 0.00004; TOPMed 0.00006; ExAC 0.00008; ESP Exome Variant Server 0.00038.
gnomAD v4.1: 44 of 1,606,570 alleles (0.0027%); highest among the groups gnomAD compares: Middle Eastern, 0.016%; no homozygotes.

Submissions (3):

Ambry Genetics
Classification: Likely benign for Inborn genetic diseases. Last evaluated: 2025-12-15. Review status: criteria provided, single submitter. Criteria: Ambry Variant Classification Scheme 2023. Collection method: clinical testing. Allele origin: germline.

Labcorp Genetics (formerly Invitae), Labcorp
Classification: Uncertain significance. Last evaluated: 2025-01-01. Review status: criteria provided, single submitter. Criteria: Invitae Variant Classification Sherloc (09022015). Collection method: clinical testing. Allele origin: germline.
Comment: This sequence change replaces glutamine, which is neutral and polar, with arginine, which is basic and polar, at codon 109 of the KCNV2 protein (p.Gln109Arg). This variant is present in population databases (rs140189519, gnomAD 0.01%). This variant has not been reported in the literature in individuals affected with KCNV2-related conditions. ClinVar contains an entry for this variant (Variation ID: 1916275). Invitae Evidence Modeling of protein sequence and biophysical properties (such as structural, functional, and spatial information, amino acid conservation, physicochemical variation, residue mobility, and thermodynamic stability) indicates that this missense variant is not expected to disrupt KCNV2 protein function with a negative predictive value of 95%. In summary, the available evidence is currently insufficient to determine the role of this variant in disease. Therefore, it has been classified as a Variant of Uncertain Significance.

Fulgent Genetics
Classification: Uncertain significance for Cone dystrophy with supernormal rod response. Last evaluated: 2024-04-02. Review status: criteria provided, single submitter. Criteria: ACMG Guidelines, 2015. Collection method: clinical testing. Allele origin: germline.